The following is an entry in ClinVar:

ClinVar aggregate classification (germline): Uncertain significance. Review status: criteria provided, multiple submitters, no conflicts (2 of 4 stars). 3 submissions from 3 submitters: Uncertain significance (3). Last evaluated 2025-04-22.

Conditions:
Inborn genetic diseases. Identifiers: MedGen C0950123, MeSH D030342.

Allele frequency attached by ClinVar (database versions not stated): ExAC 0.00001; gnomAD 0.00002; gnomAD exomes 0.00002; TOPMed 0.00002; ESP Exome Variant Server 0.00008.
gnomAD v4.1: 22 of 1,614,102 alleles (0.0014%); highest among the groups gnomAD compares: Middle Eastern, 0.016%; no homozygotes.

Submissions (3):

Ambry Genetics
Classification: Uncertain significance for Inborn genetic diseases. Last evaluated: 2025-04-22. Review status: criteria provided, single submitter. Criteria: Ambry Variant Classification Scheme 2023. Collection method: clinical testing. Allele origin: germline.

CeGaT Center for Human Genetics Tuebingen
Classification: Uncertain significance. Last evaluated: 2023-08-01. Review status: criteria provided, single submitter. Criteria: CeGaT Center For Human Genetics Tuebingen Variant Classification Criteria Version 2. Collection method: clinical testing. Allele origin: germline. Affected: yes. Observed: 1 variant allele.

Labcorp Genetics (formerly Invitae), Labcorp
Classification: Uncertain significance. Last evaluated: 2022-07-22. Review status: criteria provided, single submitter. Criteria: Invitae Variant Classification Sherloc (09022015). Collection method: clinical testing. Allele origin: germline.
Comment: This sequence change replaces serine, which is neutral and polar, with cysteine, which is neutral and slightly polar, at codon 20 of the MCM3AP protein (p.Ser20Cys). This variant is present in population databases (rs373062412, gnomAD 0.003%). This variant has not been reported in the literature in individuals affected with MCM3AP-related conditions. ClinVar contains an entry for this variant (Variation ID: 1402627). Algorithms developed to predict the effect of missense changes on protein structure and function are either unavailable or do not agree on the potential impact of this missense change (SIFT: "Deleterious"; PolyPhen-2: "Possibly Damaging"; Align-GVGD: "Class C0"). In summary, the available evidence is currently insufficient to determine the role of this variant in disease. Therefore, it has been classified as a Variant of Uncertain Significance.

NM_003906.5(MCM3AP):c.58A>T (p.Ser20Cys)

Gene: MCM3AP (minichromosome maintenance complex component 3 associated protein; minus strand). Cytogenetic location: 21q22.3.
Variant type: single nucleotide variant.
Coding change: c.58A>T on transcript NM_003906.5 (MANE Select); coding-DNA position 58, A replaced by T.
Protein change: p.Ser20Cys; replaces serine 20 with cysteine.
Molecular consequence: missense variant.
Genome position (GRCh38, 1-based): chr21:46,285,229, T>A on the plus strand (A>T on the coding strand, the complement: MCM3AP is on the minus strand). VCF-style: chr21-46285229-T-A. GRCh37 (hg19) VCF-style: chr21-47705143-T-A.
Other names: c.58A>T (NM_003906.3); short protein forms S20C.
Identifiers: ClinVar variation 1402627 (VCV001402627.27), dbSNP rs373062412, ClinGen allele CA10077433.
Genomic context (GRCh38, chr21:46,285,229, plus strand): 5'-CAAAAAGAGAAGGTTGACCAAATCGAAATGGCGGCTTAGATGGAAGTGTTCCTACATTAC[T>A]AGAAGACGCCGAAAAAGCACTAGGCTGCTGCCCACTGAAAGGATTAGTTGGGTTCATCTT-3'
Protein context (NP_003897.2, residues 10-30): QQPSAFSASS[Ser20Cys]NVGTLPSKPP